The following is an entry in ClinVar:

NM_000154.2(GALK1):c.317G>A (p.Trp106Ter)

Gene: GALK1 (galactokinase 1; minus strand). Cytogenetic location: 17q25.1.
Variant type: single nucleotide variant.
Coding change: c.317G>A on transcript NM_000154.2 (MANE Select); coding-DNA position 317, G replaced by A.
Protein change: p.Trp106Ter; replaces tryptophan 106 with a stop codon.
Molecular consequence: nonsense.
Genome position (GRCh38, 1-based): chr17:75,763,935, C>T on the plus strand (G>A on the coding strand, the complement: GALK1 is on the minus strand). VCF-style: chr17-75763935-C-T. GRCh37 (hg19) VCF-style: chr17-73760016-C-T.
Other names: c.317G>A, p.Trp106Ter (NM_001381985.1); short protein forms W106*.
Identifiers: ClinVar variation 983817 (VCV000983817.3), dbSNP rs2061598873, ClinGen allele CA401106436.
Genomic context (GRCh38, chr17:75,763,935, plus strand): 5'-GGCTCAGGCCTGGGCCCCATACCTGGGTAGTACTGAATCACTCCCTTGACATAGTTGGCC[C>T]ACCGAGGAGTCCCAGGCTCCAGCGAGCGCTGGGCTGTGGGCAGTGGAAACTGCAGCCGCT-3'

ClinVar aggregate classification (germline): Likely pathogenic (1 of 4 stars; one submission).

Conditions:
Deficiency of galactokinase. Also called: GALACTOSEMIA II; Galactokinase deficiency with cataracts. Identifiers: Orphanet 352, Orphanet 79237, MedGen C0268155, MONDO:0009255, OMIM 230200.

Submission:

Myriad Genetics, Inc.
Classification: Likely pathogenic for Deficiency of galactokinase. Last evaluated: 2019-12-25. Review status: criteria provided, single submitter. Criteria: Myriad Women's Health Autosomal Recessive and X-Linked Classification Criteria (2019). Collection method: clinical testing. Allele origin: unknown.
Comment: NM_000154.1(GALK1):c.317G>A(W106*) is expected to be pathogenic in the context of galactokinase deficiency. This variant is predicted to lead to an abnormal or absent protein product due to the creation of a premature termination codon in GALK1, a gene where loss-of-function variants are known to be pathogenic. Please note: this variant was assessed in the context of healthy population screening.